The following is an entry in ClinVar:

NM_016239.4(MYO15A):c.6728C>A (p.Thr2243Lys)

Gene: MYO15A (myosin XVA; plus strand). Cytogenetic location: 17p11.2.
Variant type: single nucleotide variant.
Coding change: c.6728C>A on transcript NM_016239.4 (MANE Select); coding-DNA position 6728, C replaced by A.
Protein change: p.Thr2243Lys; replaces threonine 2243 with lysine.
Molecular consequence: missense variant.
Genome position (GRCh38, 1-based): chr17:18,148,532, C>A. VCF-style: chr17-18148532-C-A. GRCh37 (hg19) VCF-style: chr17-18051846-C-A.
Other names: short protein forms T2243K.
Identifiers: ClinVar variation 2579322 (VCV002579322.1), dbSNP rs753611930, ClinGen allele CA398611617.

ClinVar aggregate classification (germline): Uncertain significance (1 of 4 stars; one submission).

gnomAD v4.1: 1 of 1,552,790 alleles (0.000064%); highest among the groups gnomAD compares: Admixed American, 0.0019%; no homozygotes.

Submission:

GeneDx
Classification: Uncertain significance. Last evaluated: 2023-08-22. Review status: criteria provided, single submitter. Criteria: GeneDx Variant Classification Process June 2021. Collection method: clinical testing. Allele origin: germline. Affected: yes.
Comment: Not observed at significant frequency in large population cohorts (gnomAD); In silico analysis supports that this missense variant has a deleterious effect on protein structure/function; Has not been previously published as pathogenic or benign to our knowledge